The following is an entry in ClinVar:

NM_006767.4(LZTR1):c.316T>C (p.Cys106Arg)

Gene: LZTR1 (leucine zipper like post translational regulator 1; plus strand). Cytogenetic location: 22q11.21.
Variant type: single nucleotide variant.
Coding change: c.316T>C on transcript NM_006767.4 (MANE Select); coding-DNA position 316, T replaced by C.
Protein change: p.Cys106Arg; replaces cysteine 106 with arginine.
Molecular consequence: missense variant.
Genome position (GRCh38, 1-based): chr22:20,985,893, T>C. VCF-style: chr22-20985893-T-C. GRCh37 (hg19) VCF-style: chr22-21340182-T-C.
Other names: short protein forms C106R.
Identifiers: ClinVar variation 3541703 (VCV003541703.1).

ClinVar aggregate classification (germline): Uncertain significance (1 of 4 stars; one submission).

Conditions:
Hereditary cancer-predisposing syndrome. Also called: Hereditary Cancer Syndrome; Hereditary neoplastic syndrome; Tumor predisposition; Neoplastic Syndromes, Hereditary. Identifiers: Orphanet 140162, MedGen C0027672, MeSH D009386, MONDO:0015356.
Cardiovascular phenotype. Identifiers: MedGen CN230736.

Submission:

Ambry Genetics
Classification: Uncertain significance for Cardiovascular phenotype; Hereditary cancer-predisposing syndrome. Last evaluated: 2024-11-15. Review status: criteria provided, single submitter. Criteria: Ambry Variant Classification Scheme 2023. Collection method: clinical testing. Allele origin: germline.
Comment: The p.C106R variant (also known as c.316T>C), located in coding exon 3 of the LZTR1 gene, results from a T to C substitution at nucleotide position 316. The cysteine at codon 106 is replaced by arginine, an amino acid with highly dissimilar properties. This amino acid position is conserved. In addition, the in silico prediction for this alteration is inconclusive. Based on the available evidence, the clinical significance of this variant remains unclear.